The following is an entry in ClinVar:

ClinVar aggregate classification (germline): Conflicting classifications of pathogenicity. Review status: criteria provided, conflicting classifications (1 of 4 stars). 2 submissions from 2 submitters: Uncertain significance (1); Likely benign (1). Last evaluated 2026-07-01.

Submissions (2):

CeGaT Center for Human Genetics Tuebingen
Classification: Likely benign. Last evaluated: 2026-07-01. Review status: criteria provided, single submitter. Criteria: CeGaT Center For Human Genetics Tuebingen Variant Classification Criteria Version 2. Collection method: clinical testing. Allele origin: germline. Affected: yes. Observed: 1 variant allele.
Comment: IGFN1: BP4

Ambry Genetics
Classification: Uncertain significance. Last evaluated: 2023-09-26. Review status: criteria provided, single submitter. Criteria: Ambry Variant Classification Scheme 2023. Collection method: clinical testing. Allele origin: germline.

NM_001164586.2(IGFN1):c.5500G>A (p.Ala1834Thr)

Gene: IGFN1 (immunoglobulin like and fibronectin type III domain containing 1; plus strand). Cytogenetic location: 1q32.1.
Variant type: single nucleotide variant.
Coding change: c.5500G>A on transcript NM_001164586.2 (MANE Select); coding-DNA position 5500, G replaced by A.
Protein change: p.Ala1834Thr; replaces alanine 1834 with threonine.
Molecular consequence: missense variant. On other transcripts: intron variant (1).
Genome position (GRCh38, 1-based): chr1:201,210,393, G>A. VCF-style: chr1-201210393-G-A. GRCh37 (hg19) VCF-style: chr1-201179521-G-A.
Other names: c.1242-3113G>A (NM_001367841.1); short protein forms A1834T.
Identifiers: ClinVar variation 3108692 (VCV003108692.2), dbSNP rs373128981, ClinGen allele CA35991906.